The following is an entry in ClinVar:

NM_000163.5(GHR):c.876-10T>G

Gene: GHR (growth hormone receptor; plus strand). Cytogenetic location: 5p12.
Variant type: single nucleotide variant.
Coding change: c.876-10T>G on transcript NM_000163.5 (MANE Select); 10 bases into the intron before coding-DNA position 876, T replaced by G.
Molecular consequence: intron variant.
Genome position (GRCh38, 1-based): chr5:42,718,042, T>G. VCF-style: chr5-42718042-T-G. GRCh37 (hg19) VCF-style: chr5-42718144-T-G.
Other names: c.810-10T>G (NM_001242460.2); c.876-10T>G (NM_001242400.2, NM_001242401.4, NM_001242402.2 and 4 more transcripts); c.897-10T>G (NM_001242399.2); c.876-411T>G (NM_001242462.1).
Identifiers: ClinVar variation 3907869 (VCV003907869.1).

ClinVar aggregate classification (germline): Uncertain significance (1 of 4 stars; one submission).

gnomAD v4.1: 2 of 1,520,822 alleles (0.00013%); highest among the groups gnomAD compares: Non-Finnish European, 0.00018%; no homozygotes.

Submission:

GeneDx
Classification: Uncertain significance. Last evaluated: 2024-12-23. Review status: criteria provided, single submitter. Criteria: GeneDx Variant Classification Process June 2021. Collection method: clinical testing. Allele origin: germline. Affected: yes.
Comment: Not observed at significant frequency in large population cohorts (gnomAD); In silico analysis supports a deleterious effect on splicing; Has not been previously published as pathogenic or benign to our knowledge